The following is an entry in ClinVar:

NM_198994.3(TGM6):c.1968C>G (p.Asp656Glu)

Gene: TGM6 (transglutaminase 6; plus strand). Cytogenetic location: 20p13.
Variant type: single nucleotide variant.
Coding change: c.1968C>G on transcript NM_198994.3 (MANE Select); coding-DNA position 1968, C replaced by G.
Protein change: p.Asp656Glu; replaces aspartic acid 656 with glutamic acid.
Molecular consequence: missense variant.
Genome position (GRCh38, 1-based): chr20:2,432,490, C>G. VCF-style: chr20-2432490-C-G. GRCh37 (hg19) VCF-style: chr20-2413136-C-G.
Other names: c.1834C>G, p.Arg612Gly (NM_001254734.2); short protein forms D656E, R612G.
Identifiers: ClinVar variation 3628120 (VCV003628120.3).
Genomic context (GRCh38, chr20:2,432,490, plus strand): 5'-GCCAGACTCAGAATGGCAAGAGGACTGACAGTCTGCCTTTCTCCCCTCCCCTTCCTCCAG[C>G]GTGCCTACCCTGGAGCCTCAGGAGAGGGCCTCAGTCCAGTTTGACATCACCCCCTCCAAA-3'
Protein context (NP_945345.2, residues 646-666): SGLLQEQLSI[Asp656Glu]VPTLEPQERA

ClinVar aggregate classification (germline): Conflicting classifications of pathogenicity. Review status: criteria provided, conflicting classifications (1 of 4 stars). 2 submissions from 2 submitters: Uncertain significance (1); Likely benign (1). Last evaluated 2024-09-02.

gnomAD v4.1: 4 of 1,613,902 alleles (0.00025%); highest among the groups gnomAD compares: Non-Finnish European, 0.00034%; no homozygotes.

Submissions (2):

Labcorp Genetics (formerly Invitae), Labcorp
Classification: Uncertain significance. Last evaluated: 2024-09-02. Review status: criteria provided, single submitter. Criteria: Invitae Variant Classification Sherloc (09022015). Collection method: clinical testing. Allele origin: germline.
Comment: This sequence change replaces aspartic acid, which is acidic and polar, with glutamic acid, which is acidic and polar, at codon 656 of the TGM6 protein (p.Asp656Glu). This variant is not present in population databases (gnomAD no frequency). This variant has not been reported in the literature in individuals affected with TGM6-related conditions. An algorithm developed to predict the effect of missense changes on protein structure and function outputs the following: PolyPhen-2: "Benign". The glutamic acid amino acid residue is found in multiple mammalian species, which suggests that this missense change does not adversely affect protein function. In summary, the available evidence is currently insufficient to determine the role of this variant in disease. Therefore, it has been classified as a Variant of Uncertain Significance.

Blueprint Genetics
Classification: Likely benign. Last evaluated: 2021-05-07. Review status: criteria provided, single submitter. Criteria: ACMG Guidelines, 2015. Collection method: clinical testing. Allele origin: germline.